The following is an entry in ClinVar:

ClinVar aggregate classification (germline): Conflicting classifications of pathogenicity. Review status: criteria provided, conflicting classifications (1 of 4 stars). 2 submissions from 2 submitters: Uncertain significance (1); Likely benign (1). Last evaluated 2025-08-21.

Allele frequency attached by ClinVar (database versions not stated): gnomAD exomes below 0.00001; TOPMed 0.00001; ExAC 0.00002; gnomAD 0.00003; 1000 Genomes Project 30x 0.00016; 1000 Genomes Project 0.00020.
gnomAD v4.1: 11 of 1,613,452 alleles (0.00068%); highest among the groups gnomAD compares: Admixed American, 0.015%; no homozygotes.

Submissions (2):

Ambry Genetics
Classification: Likely benign. Last evaluated: 2025-08-21. Review status: criteria provided, single submitter. Criteria: Ambry Variant Classification Scheme 2023. Collection method: clinical testing. Allele origin: germline.

Labcorp Genetics (formerly Invitae), Labcorp
Classification: Uncertain significance. Last evaluated: 2023-09-19. Review status: criteria provided, single submitter. Criteria: Invitae Variant Classification Sherloc (09022015). Collection method: clinical testing. Allele origin: germline.
Comment: This variant has not been reported in the literature in individuals affected with ATRIP-related conditions. This variant is present in population databases (rs183565971, gnomAD 0.003%). This sequence change replaces threonine, which is neutral and polar, with serine, which is neutral and polar, at codon 451 of the ATRIP protein (p.Thr451Ser). ClinVar contains an entry for this variant (Variation ID: 2174578). In summary, the available evidence is currently insufficient to determine the role of this variant in disease. Therefore, it has been classified as a Variant of Uncertain Significance. Algorithms developed to predict the effect of missense changes on protein structure and function output the following: SIFT: "Not Available"; PolyPhen-2: "Benign"; Align-GVGD: "Not Available". The serine amino acid residue is found in multiple mammalian species, which suggests that this missense change does not adversely affect protein function.

NM_130384.3(ATRIP):c.1351A>T (p.Thr451Ser)

Genes: ATRIP (ATR interacting protein; plus strand), ATRIP-TREX1 (ATRIP-TREX1 readthrough; plus strand). Cytogenetic location: 3p21.31.
Variant type: single nucleotide variant.
Coding change: c.1351A>T on transcript NM_130384.3 (MANE Select); coding-DNA position 1351, A replaced by T.
Protein change: p.Thr451Ser; replaces threonine 451 with serine.
Molecular consequence: missense variant. On other transcripts: non-coding transcript variant (1).
Genome position (GRCh38, 1-based): chr3:48,460,405, A>T. VCF-style: chr3-48460405-A-T. GRCh37 (hg19) VCF-style: chr3-48501804-A-T.
Other names: c.970A>T, p.Thr324Ser (NM_001271022.2); c.1072A>T, p.Thr358Ser (NM_001271023.2); c.1351A>T, p.Thr451Ser (NM_032166.4); c.1351A>T (NM_130384.1); short protein forms T324S, T358S, T451S.
Identifiers: ClinVar variation 2174578 (VCV002174578.7), dbSNP rs183565971, ClinGen allele CA2376188.
Genomic context (GRCh38, chr3:48,460,405, plus strand): 5'-TGCCAGGCCCTGCAGGACTTGGCAGCTGCTAAGAGAAGCGGAGCACCTGGGGACTCACCG[A>T]CACATTCCTCCTGCGTGAGCTCTGGGGTAGAGACCAACCCTGAGGACTCAGTGTGCATCC-3'
Protein context (NP_569055.1, residues 441-461): KRSGAPGDSP[Thr451Ser]HSSCVSSGVE